The following is an entry in ClinVar:

ClinVar aggregate classification (germline): Uncertain significance (1 of 4 stars; one submission).

Conditions:
Charcot-Marie-Tooth disease type 2. Also called: Charcot-Marie-Tooth type 2. Identifiers: Orphanet 64746, MedGen C0270914, MONDO:0018993.

Submission:

Labcorp Genetics (formerly Invitae), Labcorp
Classification: Uncertain significance for Charcot-Marie-Tooth disease type 2. Last evaluated: 2025-09-27. Review status: criteria provided, single submitter. Criteria: Invitae Variant Classification Sherloc (09022015). Collection method: clinical testing. Allele origin: germline.
Comment: This sequence change is expected to alter the c-terminus of the LMNA protein (p.Ala600Profs*98). While this is not anticipated to result in nonsense mediated decay, it is expected to disrupt the last 65 amino acid(s) of the LMNA protein and extend the protein by 32 additional amino acid residues. This variant is not present in population databases (gnomAD no frequency). This variant has not been reported in the literature in individuals affected with LMNA-related conditions. Experimental studies and prediction algorithms are not available or were not evaluated, and the functional significance of this variant is currently unknown. This variant disrupts a region of the LMNA protein in which other variant(s) (p.Ser628Gly) have been observed in individuals with LMNA-related conditions (internal data). This suggests that this is a clinically significant region of the protein, and that variants that disrupt it are likely to be disease-causing. In summary, the available evidence is currently insufficient to determine the role of this variant in disease. Therefore, it has been classified as a Variant of Uncertain Significance.

NM_170707.4(LMNA):c.1798del (p.Ala600fs)

Gene: LMNA (lamin A/C; plus strand). Cytogenetic location: 1q22.
Variant type: Deletion.
Coding change: c.1798del on transcript NM_170707.4 (MANE Select); coding-DNA position 1798, one base deleted (G; older notation c.1798delG).
Protein change: p.Ala600fs; shifts the reading frame from alanine 600.
Molecular consequence: frameshift variant.
Genome position (GRCh38, 1-based): chr1:156,138,587, G deleted. VCF-style (leftmost placement, unchanged base first): chr1-156138586-TG-T. GRCh37 (hg19) VCF-style: chr1-156108377-TG-T.
Other names: c.1462del, p.Ala488fs (NM_001257374.3, NM_001406989.1); c.1798del, p.Ala600fs (NM_001282626.2, NM_001406983.1, NM_001406985.1 and 1 more transcripts); c.1555del, p.Ala519fs (NM_001406986.1, NM_001406987.1); c.1501del, p.Ala501fs (NM_001406988.1); c.1240del, p.Ala414fs (NM_001406990.1, NM_001406993.1, NM_001406995.1 and 2 more transcripts); c.1174del, p.Ala392fs (NM_001406994.1, NM_001406999.1, NM_001407000.1 and 1 more transcripts); c.1708del, p.Ala570fs (NM_170708.4); short protein forms A414fs, A392fs, A519fs, A600fs, A488fs, A501fs, A570fs.
Identifiers: ClinVar variation 4727940 (VCV004727940.1).